The following is an entry in ClinVar:

NM_000531.6(OTC):c.455C>T (p.Ala152Val)

Gene: OTC (ornithine transcarbamylase; plus strand). Cytogenetic location: Xp11.4.
Variant type: single nucleotide variant.
Coding change: c.455C>T on transcript NM_000531.6 (MANE Select); coding-DNA position 455, C replaced by T.
Protein change: p.Ala152Val; replaces alanine 152 with valine.
Molecular consequence: missense variant.
Genome position (GRCh38, 1-based): chrX:38,401,343, C>T. VCF-style: chrX-38401343-C-T. GRCh37 (hg19) VCF-style: chrX-38260596-C-T.
Other names: short protein forms A152V.
Identifiers: ClinVar variation 97207 (VCV000097207.3), dbSNP rs72556266, ClinGen allele CA224617.

ClinVar aggregate classification (germline): Likely pathogenic. Review status: criteria provided, single submitter (1 of 4 stars). 2 submissions from 2 submitters: Likely pathogenic (1). 1 of the submissions does not count toward it. Last evaluated 2026-04-26.

Submissions (2):

GeneDx
Classification: Likely pathogenic. Last evaluated: 2026-04-26. Review status: criteria provided, single submitter. Criteria: GeneDx Variant Classification Process June 2021. Collection method: clinical testing. Allele origin: germline.
Comment: Published functional studies found this variant is associated with significantly reduced enzyme activity (PMID: 9609999, 40059726); Not observed at significant frequency in large population cohorts (gnomAD); In silico analysis supports that this missense variant has a deleterious effect on protein structure/function; This variant is associated with the following publications: (PMID: 28324312, 26059767, 19138872, 9609999, 11793468, 38940639, Satoh1992[CaseReport], 40464331, 40059726, 37146589)

GenMed Metabolism Lab
Classification: Pathogenic. Review status: no assertion criteria provided. Collection method: not provided. Allele origin: unknown. Not counted in ClinVar's aggregate classification.
Comment: p.Ala152Val, Late, Expression studies show reduced OTC protein
ClinVar note: Converted during submission from pathogenic to Pathogenic.